The following is an entry in ClinVar:

ClinVar aggregate classification (germline): Uncertain significance (1 of 4 stars; one submission).

Conditions:
Rhabdoid tumor predisposition syndrome 2 (RTPS2). Identifiers: Orphanet 231108, Orphanet 69077, MedGen C2750074, MONDO:0013224, OMIM 613325.

Submission:

Labcorp Genetics (formerly Invitae), Labcorp
Classification: Uncertain significance for Rhabdoid tumor predisposition syndrome 2. Last evaluated: 2019-11-11. Review status: criteria provided, single submitter. Criteria: Invitae Variant Classification Sherloc (09022015). Collection method: clinical testing. Allele origin: germline.
Comment: Algorithms developed to predict the effect of missense changes on protein structure and function are either unavailable or do not agree on the potential impact of this missense change (SIFT: "Deleterious"; PolyPhen-2: "Benign"; Align-GVGD: "Class C0"). In summary, the available evidence is currently insufficient to determine the role of this variant in disease. Therefore, it has been classified as a Variant of Uncertain Significance. This variant has not been reported in the literature in individuals with SMARCA4-related conditions. This sequence change replaces glutamic acid with alanine at codon 1364 of the SMARCA4 protein (p.Glu1364Ala). The glutamic acid residue is highly conserved and there is a moderate physicochemical difference between glutamic acid and alanine. This variant is not present in population databases (ExAC no frequency).

NM_003072.5(SMARCA4):c.4091A>C (p.Glu1364Ala)

Gene: SMARCA4 (SWI/SNF related BAF chromatin remodeling complex subunit ATPase 4; plus strand). Cytogenetic location: 19p13.2.
Variant type: single nucleotide variant.
Coding change: c.4091A>C on transcript NM_003072.5 (MANE Select); coding-DNA position 4091, A replaced by C.
Protein change: p.Glu1364Ala; replaces glutamic acid 1364 with alanine.
Molecular consequence: missense variant. On other transcripts: non-coding transcript variant (1).
Genome position (GRCh38, 1-based): chr19:11,035,053, A>C. VCF-style: chr19-11035053-A-C. GRCh37 (hg19) VCF-style: chr19-11145729-A-C.
Other names: c.4091A>C, p.Glu1364Ala (NM_001128844.3, NM_001128849.3); c.3992A>C, p.Glu1331Ala (NM_001128845.2, NM_001128846.2, NM_001128847.4 and 2 more transcripts); short protein forms E1364A, E1331A.
Identifiers: ClinVar variation 965414 (VCV000965414.9), dbSNP rs2075182920, ClinGen allele CA404068300.